The following is an entry in ClinVar:

ClinVar aggregate classification (germline): Pathogenic. Review status: criteria provided, multiple submitters, no conflicts (2 of 4 stars). 5 submissions from 5 submitters: Pathogenic (4). 1 of the submissions does not count toward it. Last evaluated 2026-01-21.

Conditions:
Vitelliform macular dystrophy 2. Also called: Best Macular Dystrophy; Best vitelliform macular dystrophy, multifocal; Best Vitelliform Macular Dystrophy (BVMD); MACULAR DEGENERATION, POLYMORPHIC VITELLINE; VITELLIFORM MACULAR DYSTROPHY, EARLY-ONSET; VITELLIFORM MACULAR DYSTROPHY, JUVENILE-ONSET. Identifiers: Orphanet 1243, MedGen C2745945, MONDO:0007931, OMIM 153700.
BEST1-related disorder. Also called: BEST1-related disorders; BEST1-related condition. Identifiers: MedGen CN239200.

Allele frequency attached by ClinVar (database versions not stated): gnomAD exomes below 0.00001; TOPMed below 0.00001; ExAC 0.00001; ESP Exome Variant Server 0.00015.

Submissions (5):

Labcorp Genetics (formerly Invitae), Labcorp
Classification: Pathogenic. Last evaluated: 2026-01-21. Review status: criteria provided, single submitter. Criteria: Invitae Variant Classification Sherloc (09022015). Collection method: clinical testing. Allele origin: germline.
Comment: This sequence change replaces glutamic acid, which is acidic and polar, with aspartic acid, which is acidic and polar, at codon 300 of the BEST1 protein (p.Glu300Asp). This variant is present in population databases (rs1805144, gnomAD 0.0009%). This missense change has been observed in individuals with autosomal dominant Best macular dystrophy (PMID: 10331951, 13129869, 28559085). It has also been observed to segregate with disease in related individuals. ClinVar contains an entry for this variant (Variation ID: 99770). Invitae Evidence Modeling of protein sequence and biophysical properties (such as structural, functional, and spatial information, amino acid conservation, physicochemical variation, residue mobility, and thermodynamic stability) indicates that this missense variant is expected to disrupt BEST1 protein function with a positive predictive value of 95%. For these reasons, this variant has been classified as Pathogenic.

GeneDx
Classification: Pathogenic. Last evaluated: 2025-11-12. Review status: criteria provided, single submitter. Criteria: GeneDx Variant Classification Process June 2021. Collection method: clinical testing. Allele origin: germline. Affected: yes.
Comment: Published functional studies demonstrate that the presence of the variant results in a significant reduction in function (PMID: 11904445); In silico analysis suggests that this missense variant does not alter protein structure/function; Not observed at significant frequency in large population cohorts (gnomAD); This variant is associated with the following publications: (PMID: 19375515, 13129869, 28559085, 32239196, 10331951, 11904445)

Variantyx, Inc.
Classification: Pathogenic for Vitelliform macular dystrophy 2. Last evaluated: 2025-04-14. Review status: criteria provided, single submitter. Criteria: Variantyx Assertion Criteria 2022. Collection method: clinical testing. Allele origin: germline. Inheritance: Autosomal dominant inheritance. Affected: yes.
Comment: This is a nonsynonymous variant in the BEST1 gene (OMIM: 607854). Pathogenic variants in this gene have been associated with autosomal dominant vitelliform macular dystrophy 2. This variant has been reported in at least six unrelated affected individuals (PMID: 32239196, 13129869, 28559085, 11713080, 10453731, 34253754) (PS4_Moderate) and it has been observed to segregate with disease in at least six individuals from one family (PMID: 13129869) (PP1_Moderate). Functional studies have shown that this variant alters BEST1 protein function (PMID: 11904445) (PS3_Moderate), and multiple computational algorithms predict a deleterious effect for this variant (REVEL score: 0.851) (PP3). Moreover, an alternate amino acid change at this position (p.Glu300Lys) has been previously reported in similarly affected individuals, which suggests that this residue is biologically important (PMID: 10854112, 27078032, 28559085) (PM5). This variant is absent from control populations (PM2). Based on the current evidence, this variant is classified as pathogenic for autosomal dominant vitelliform macular dystrophy 2.

Blueprint Genetics
Classification: Pathogenic for BEST1-related disorders. Last evaluated: 2022-11-07. Review status: criteria provided, single submitter. Criteria: ACMG Guidelines, 2015. Collection method: clinical testing. Allele origin: germline. Affected: yes. Observed: 5 variant alleles.

Retina International
No classification provided. Review status: no classification provided. Collection method: not provided. Allele origin: not provided. Not counted in ClinVar's aggregate classification.

Literature cited by the submitters: PubMed 10331951 (cited by Labcorp Genetics (formerly Invitae), Labcorp); PubMed 13129869 (cited by Labcorp Genetics (formerly Invitae), Labcorp and Variantyx, Inc.); PubMed 28559085 (cited by Labcorp Genetics (formerly Invitae), Labcorp and Variantyx, Inc.); PubMed 11904445 (cited by Variantyx, Inc.); PubMed 32239196 (cited by Variantyx, Inc.); PubMed 11713080 (cited by Variantyx, Inc.); PubMed 10453731 (cited by Variantyx, Inc.); PubMed 34253754 (cited by Variantyx, Inc.); PubMed 10854112 (cited by Variantyx, Inc.); PubMed 27078032 (cited by Variantyx, Inc.).

NM_004183.4(BEST1):c.900G>C (p.Glu300Asp)

Gene: BEST1 (bestrophin 1; plus strand). Cytogenetic location: 11q12.3.
Variant type: single nucleotide variant.
Coding change: c.900G>C on transcript NM_004183.4 (MANE Select); coding-DNA position 900, G replaced by C.
Protein change: p.Glu300Asp; replaces glutamic acid 300 with aspartic acid.
Molecular consequence: missense variant. On other transcripts: non-coding transcript variant (1), intron variant (1).
Genome position (GRCh38, 1-based): chr11:61,959,530, G>C. VCF-style: chr11-61959530-G-C. GRCh37 (hg19) VCF-style: chr11-61727002-G-C.
Other names: c.720G>C, p.Glu240Asp (NM_001139443.3, NM_001300787.2); c.582G>C, p.Glu194Asp (NM_001363591.3); c.1103G>C, p.Arg368Thr (NM_001363592.2); c.-73G>C (NM_001363593.3); c.688-362G>C (NM_001300786.2); short protein forms E300D, E194D, E240D, R368T.
Identifiers: ClinVar variation 99770 (VCV000099770.17), dbSNP rs1805144, ClinGen allele CA227841.